The following is an entry in ClinVar:

ClinVar aggregate classification (germline): Uncertain significance (1 of 4 stars; one submission).

gnomAD v4.1: 2 of 1,614,098 alleles (0.00012%); highest among the groups gnomAD compares: East Asian, 0.0022%; no homozygotes.

Submission:

Labcorp Genetics (formerly Invitae), Labcorp
Classification: Uncertain significance. Last evaluated: 2025-09-02. Review status: criteria provided, single submitter. Criteria: Invitae Variant Classification Sherloc (09022015). Collection method: clinical testing. Allele origin: germline.
Comment: This sequence change replaces glutamic acid, which is acidic and polar, with lysine, which is basic and polar, at codon 795 of the NFKB1 protein (p.Glu795Lys). This variant is not present in population databases (gnomAD no frequency). This variant has not been reported in the literature in individuals affected with NFKB1-related conditions. Invitae Evidence Modeling of protein sequence and biophysical properties (such as structural, functional, and spatial information, amino acid conservation, physicochemical variation, residue mobility, and thermodynamic stability) indicates that this missense variant is not expected to disrupt NFKB1 protein function with a negative predictive value of 80%. In summary, the available evidence is currently insufficient to determine the role of this variant in disease. Therefore, it has been classified as a Variant of Uncertain Significance.

NM_003998.4(NFKB1):c.2383G>A (p.Glu795Lys)

Gene: NFKB1 (nuclear factor kappa B subunit 1; plus strand). Cytogenetic location: 4q24.
Variant type: single nucleotide variant.
Coding change: c.2383G>A on transcript NM_003998.4 (MANE Select); coding-DNA position 2383, G replaced by A.
Protein change: p.Glu795Lys; replaces glutamic acid 795 with lysine.
Molecular consequence: missense variant.
Genome position (GRCh38, 1-based): chr4:102,612,074, G>A. VCF-style: chr4-102612074-G-A. GRCh37 (hg19) VCF-style: chr4-103533231-G-A.
Other names: c.2380G>A, p.Glu794Lys (NM_001165412.2, NM_001319226.2, NM_001382627.1); c.2383G>A, p.Glu795Lys (NM_001382625.1, NM_001382626.1); c.2341G>A, p.Glu781Lys (NM_001382628.1); short protein forms E781K, E794K, E795K.
Identifiers: ClinVar variation 4779823 (VCV004779823.1).